The following is an entry in ClinVar:

NM_001039591.3(USP9X):c.979A>G (p.Thr327Ala)

Gene: USP9X (ubiquitin specific peptidase 9 X-linked; plus strand). Cytogenetic location: Xp11.4.
Variant type: single nucleotide variant.
Coding change: c.979A>G on transcript NM_001039591.3 (MANE Select); coding-DNA position 979, A replaced by G.
Protein change: p.Thr327Ala; replaces threonine 327 with alanine.
Molecular consequence: missense variant.
Genome position (GRCh38, 1-based): chrX:41,141,174, A>G. VCF-style: chrX-41141174-A-G. GRCh37 (hg19) VCF-style: chrX-41000427-A-G.
Other names: c.979A>G, p.Thr327Ala (NM_001039590.3, NM_001410748.1, NM_001410749.1 and 1 more transcripts); short protein forms T327A.
Identifiers: ClinVar variation 4805302 (VCV004805302.1).

ClinVar aggregate classification (germline): Uncertain significance (1 of 4 stars; one submission).

Submission:

Labcorp Genetics (formerly Invitae), Labcorp
Classification: Uncertain significance. Last evaluated: 2025-08-29. Review status: criteria provided, single submitter. Criteria: Invitae Variant Classification Sherloc (09022015). Collection method: clinical testing. Allele origin: germline.
Comment: This sequence change replaces threonine, which is neutral and polar, with alanine, which is neutral and non-polar, at codon 327 of the USP9X protein (p.Thr327Ala). This variant is not present in population databases (gnomAD no frequency). This variant has not been reported in the literature in individuals affected with USP9X-related conditions. An algorithm developed to predict the effect of missense changes on protein structure and function (PolyPhen-2) suggests that this variant is likely to be disruptive. In summary, the available evidence is currently insufficient to determine the role of this variant in disease. Therefore, it has been classified as a Variant of Uncertain Significance.